The following is an entry in ClinVar:

ClinVar aggregate classification (germline): Uncertain significance. Review status: criteria provided, multiple submitters, no conflicts (2 of 4 stars). 2 submissions from 2 submitters: Uncertain significance (2). Last evaluated 2026-02-18.

Conditions:
Inborn genetic diseases. Identifiers: MedGen C0950123, MeSH D030342.

Submissions (2):

Ambry Genetics
Classification: Uncertain significance for Inborn genetic diseases. Last evaluated: 2026-02-18. Review status: criteria provided, single submitter. Criteria: Ambry Variant Classification Scheme 2023. Collection method: clinical testing. Allele origin: germline.
Comment: The c.676_678delGAG variant (also known as p.E226del) is located in coding exon 5 of the ETV6 gene. This variant results from an in-frame GAG deletion at nucleotide positions 676 to 678. This results in the in-frame deletion of a glutamic acid at codon 226. This amino acid position is highly conserved in available vertebrate species. In addition, this variant is predicted to be neutral by in silico analysis (Choi Y et al. PLoS ONE. 2012; 7(10):e46688). Based on the available evidence, the clinical significance of this variant remains unclear.

Labcorp Genetics (formerly Invitae), Labcorp
Classification: Uncertain significance. Last evaluated: 2023-08-09. Review status: criteria provided, single submitter. Criteria: Invitae Variant Classification Sherloc (09022015). Collection method: clinical testing. Allele origin: germline.
Comment: In summary, the available evidence is currently insufficient to determine the role of this variant in disease. Therefore, it has been classified as a Variant of Uncertain Significance. Experimental studies and prediction algorithms are not available or were not evaluated, and the functional significance of this variant is currently unknown. This variant has not been reported in the literature in individuals affected with ETV6-related conditions. This variant is present in population databases (no rsID available, gnomAD 0.0009%). This variant, c.676_678del, results in the deletion of 1 amino acid(s) of the ETV6 protein (p.Glu226del), but otherwise preserves the integrity of the reading frame.

NM_001987.5(ETV6):c.676_678del (p.Glu226del)

Gene: ETV6 (ETS variant transcription factor 6; plus strand). Cytogenetic location: 12p13.2.
Variant type: Deletion.
Coding change: c.676_678del on transcript NM_001987.5 (MANE Select); coding-DNA positions 676 to 678, 3 bases deleted (GAG; older notation c.676_678delGAG).
Protein change: p.Glu226del; deletes glutamic acid 226.
Molecular consequence: inframe deletion.
Genome position (GRCh38, 1-based): chr12:11,869,636-11,869,638, GAG deleted; deleting any 3 consecutive bases within chr12:11,869,634-11,869,638 gives the same sequence; the c. name uses the placement nearest the transcript's 3' end. VCF-style (leftmost placement, unchanged base first): chr12-11869633-CAGG-C. GRCh37 (hg19) VCF-style: chr12-12022567-CAGG-C.
Other names: c.673_675del, p.Glu225del (NM_001413913.1); c.649_651del, p.Glu217del (NM_001413914.1); c.412_414del, p.Glu138del (NM_001413915.1); c.676_678del, p.Glu226del (NM_001413916.1, NM_001413917.1); short protein forms E138del, E217del, E225del, E226del.
Identifiers: ClinVar variation 2832339 (VCV002832339.4), dbSNP rs1287554272, ClinGen allele CA603495708.